The following is an entry in ClinVar:

ClinVar aggregate classification (germline): Conflicting classifications of pathogenicity. Review status: criteria provided, conflicting classifications (1 of 4 stars). 7 submissions from 6 submitters: Pathogenic (4); Uncertain significance (1); Benign (1); Likely benign (1). Last evaluated 2026-05-19.

Conditions:
Partial androgen insensitivity syndrome (PAIS). Also called: Pseudohermaphroditism, Incomplete male, type I; Reifenstein syndrome, partial; Androgen resistance syndrome, partial; Type I familial incomplete male pseudohermaphroditism; Partial Androgen Insensitivity Syndrome (PAIS); ANDROGEN INSENSITIVITY, PARTIAL, WITH OR WITHOUT BREAST CANCER. Identifiers: Orphanet 90797, MedGen C0268301, MONDO:0010720, OMIM 312300.
Prostate cancer. Also called: Malignant tumor of prostate. Identifiers: Orphanet 1331, MedGen C0376358, MONDO:0008315, HP:0012125.
Non-obstructive azoospermia. Identifiers: MedGen C4021107, HP:0011961.
Male infertility. Identifiers: MedGen C0021364, MeSH D007248, MONDO:0005372, HP:0003251.
Androgen resistance syndrome (AIS). Also called: DIHYDROTESTOSTERONE RECEPTOR DEFICIENCY; TESTICULAR FEMINIZATION SYNDROME; Androgen insensitivity syndrome; Androgen insensitivity; Androgen insensitivity, complete; DHTR DEFICIENCY. Identifiers: Orphanet 754, Orphanet 99429, MedGen C0039585, MONDO:0019154, OMIM 300068. Disease mechanism: loss of function.
Kennedy disease (SMAX1). Also called: KENNEDY SPINAL AND BULBAR MUSCULAR ATROPHY; SPINAL AND BULBAR MUSCULAR ATROPHY, X-LINKED 1; Spinal and Bulbar Muscular Atrophy. Identifiers: Orphanet 481, MedGen C1839259, MONDO:0010735, OMIM 313200.

Allele frequency attached by ClinVar (database versions not stated): gnomAD exomes 0.00031 and 0.00036; ExAC 0.00035; gnomAD 0.00036 and 0.00038; TOPMed 0.00037; ESP Exome Variant Server 0.00076.
gnomAD v4.1: 429 of 1,208,624 alleles (0.035%); highest among the groups gnomAD compares: Non-Finnish European, 0.045%; no homozygotes.

Submissions (7):

Women's Health and Genetics/Laboratory Corporation of America, LabCorp
Classification: Likely benign. Last evaluated: 2026-05-19. Review status: criteria provided, single submitter. Criteria: LabCorp Variant Classification Summary - May 2015. Collection method: clinical testing. Allele origin: germline.
Comment: Variant summary: AR c.1792A>G (p.Ser598Gly) results in a non-conservative amino acid change in the encoded protein sequence. Algorithms developed to predict the effect of missense changes on protein structure and function all suggest that this variant is likely to be disruptive. The variant allele was found at a frequency of 0.00035 in 1208624 control chromosomes, predominantly at a frequency of 0.00045 within the Non-Finnish European subpopulation in the gnomAD database v4. A total of 130 hemizygotes of this variant was observed in the gnomAD database. c.1792A>G has been observed in individuals affected with AR-related conditions (Zoppi_1992, Heddar_2022, Riera-Escamilla_2022, Wyrwoll_2022). These report(s) do not provide unequivocal conclusions about association of the variant with disease. One publication reports experimental evidence evaluating an impact on protein function, however, does not allow convincing conclusions about the variant effect (Zoppi_1992). The following publications have been ascertained in the context of this evaluation (PMID: 36099812, 35809576, 35690514, 1316540). ClinVar contains an entry for this variant (Variation ID: 1244234). Based on the evidence outlined above, the variant was classified as likely benign.

Institute of Immunology and Genetics Kaiserslautern
Classification: Pathogenic for Partial androgen insensitivity syndrome. Last evaluated: 2026-04-15. Review status: criteria provided, single submitter. Criteria: ACMG Guidelines, 2015. Collection method: clinical testing. Allele origin: germline. Affected: yes.
Comment: ACMG Criteria: PS3_P, PS4_P, PM1, PM2, PM5_S, PP3 - according to PMID: 40882352 . Variant was found in hemizygous state.

Labcorp Genetics (formerly Invitae), Labcorp
Classification: Benign for Kennedy disease; Androgen resistance syndrome. Last evaluated: 2026-01-22. Review status: criteria provided, single submitter. Criteria: Invitae Variant Classification Sherloc (09022015). Collection method: clinical testing. Allele origin: germline.

Dasa
Classification: Uncertain significance. Last evaluated: 2024-12-17. Review status: criteria provided, single submitter. Criteria: DASA Assertion Criteria. Collection method: clinical testing. Allele origin: germline.
Comment: NM_000044.6(AR):c.1792A>G (p.Ser598Gly) is a missense variant that results in the substitution of serine with glycine. The affected residue or protein region has prior evidence supporting clinical relevance. This variant is rare in population databases. Computational prediction algorithms are consistent with a deleterious effect. The currently available literature and clinical evidence are not sufficient to establish a definitive association between this variant and the reported condition. Therefore, this variant is classified as a variant of uncertain significance.

Institute of Reproductive Genetics, University of Münster
Classification: Pathogenic for Male infertility. Last evaluated: 2024-01-16. Review status: criteria provided, single submitter. Criteria: Uk Practice Guidelines For Variant Classification V4 01 2020. Collection method: research, in vitro. Allele origin: germline, not applicable. Observed: 1 variant allele, 1 hemizygote.

Mendelics
Classification: Pathogenic for Familial prostate cancer. Last evaluated: 2022-05-04. Review status: criteria provided, single submitter. Criteria: Mendelics Assertion Criteria 2019. Collection method: clinical testing. Allele origin: germline.

Institute of Reproductive Genetics, University of Münster
Classification: Pathogenic for Non-obstructive azoospermia. Last evaluated: 2021-08-23. Review status: criteria provided, single submitter. Criteria: ACMG Guidelines, 2015. Collection method: research. Allele origin: germline. Affected: yes. Observed: 1 variant allele.

Literature cited by the submitters: PubMed 1316540 (cited by Women's Health and Genetics/Laboratory Corporation of America, LabCorp); PubMed 35690514 (cited by Women's Health and Genetics/Laboratory Corporation of America, LabCorp); PubMed 36099812 (cited by Women's Health and Genetics/Laboratory Corporation of America, LabCorp); PubMed 35809576 (cited by Women's Health and Genetics/Laboratory Corporation of America, LabCorp).

NM_000044.6(AR):c.1792A>G (p.Ser598Gly)

Gene: AR (androgen receptor; plus strand). Cytogenetic location: Xq12.
Variant type: single nucleotide variant.
Coding change: c.1792A>G on transcript NM_000044.6 (MANE Select); coding-DNA position 1792, A replaced by G.
Protein change: p.Ser598Gly; replaces serine 598 with glycine.
Molecular consequence: missense variant.
Genome position (GRCh38, 1-based): chrX:67,686,033, A>G. VCF-style: chrX-67686033-A-G. GRCh37 (hg19) VCF-style: chrX-66905875-A-G.
Other names: c.196A>G, p.Ser66Gly (NM_001011645.3); c.1792A>G, p.Ser598Gly (NM_001348061.1, NM_001348063.1); c.1709A>G, p.Gln570Arg (NM_001348064.1); short protein forms Q570R, S598G, S66G.
Identifiers: ClinVar variation 1244234 (VCV001244234.12), dbSNP rs142280455, ClinGen allele CA10436521.